The following is an entry in ClinVar:

ClinVar aggregate classification (germline): Uncertain significance (1 of 4 stars; one submission).

Conditions:
Fanconi anemia (FA). Also called: Fanconi's anemia. Identifiers: Orphanet 84, MedGen C0015625, MeSH D005199, MONDO:0019391.

Allele frequency attached by ClinVar (database versions not stated): ExAC 0.00001; gnomAD exomes 0.00001.
gnomAD v4.1: 10 of 1,614,192 alleles (0.00062%); highest among the groups gnomAD compares: South Asian, 0.0011%; no homozygotes.

Submission:

Labcorp Genetics (formerly Invitae), Labcorp
Classification: Uncertain significance for Fanconi anemia. Last evaluated: 2023-02-01. Review status: criteria provided, single submitter. Criteria: Invitae Variant Classification Sherloc (09022015). Collection method: clinical testing. Allele origin: germline.
Comment: This sequence change replaces arginine, which is basic and polar, with glutamine, which is neutral and polar, at codon 1104 of the SLX4 protein (p.Arg1104Gln). This variant is present in population databases (rs767093188, gnomAD 0.003%). This variant has not been reported in the literature in individuals affected with SLX4-related conditions. Algorithms developed to predict the effect of missense changes on protein structure and function output the following: SIFT: "Tolerated"; PolyPhen-2: "Benign"; Align-GVGD: "Class C0". The glutamine amino acid residue is found in multiple mammalian species, which suggests that this missense change does not adversely affect protein function. In summary, the available evidence is currently insufficient to determine the role of this variant in disease. Therefore, it has been classified as a Variant of Uncertain Significance.

NM_032444.4(SLX4):c.3311G>A (p.Arg1104Gln)

Gene: SLX4 (SLX4 structure-specific endonuclease subunit; minus strand). Cytogenetic location: 16p13.3.
Variant type: single nucleotide variant.
Coding change: c.3311G>A on transcript NM_032444.4 (MANE Select); coding-DNA position 3311, G replaced by A.
Protein change: p.Arg1104Gln; replaces arginine 1104 with glutamine.
Molecular consequence: missense variant.
Genome position (GRCh38, 1-based): chr16:3,590,327, C>T on the plus strand (G>A on the coding strand, the complement: SLX4 is on the minus strand). VCF-style: chr16-3590327-C-T. GRCh37 (hg19) VCF-style: chr16-3640328-C-T.
Other names: short protein forms R1104Q.
Identifiers: ClinVar variation 2899898 (VCV002899898.3), dbSNP rs767093188, ClinGen allele CA7865947.
Genomic context (GRCh38, chr16:3,590,327, plus strand): 5'-ATAGACGGAGATTTTTCTGGGAACATCAGGACCCCCTTATTTCTGCACTCCAGCACGGAC[C>T]GACGCTCTTTGCCTTTCTGGTGCCCTGGCTCTTTAGACAGCGTGAGGATGCTCCTGTCCC-3'
Protein context (NP_115820.2, residues 1094-1114): EPGHQKGKER[Arg1104Gln]SVLECRNKGV